The following is an entry in ClinVar:

ClinVar aggregate classification (germline): Uncertain significance (1 of 4 stars; one submission).

Conditions:
Sulfite oxidase deficiency due to molybdenum cofactor deficiency type C. Also called: Molybdenum cofactor deficiency C; Molybdenum cofactor deficiency, complementation group C. Identifiers: Orphanet 308400, Orphanet 833, MedGen C1854990, MONDO:0014212, OMIM 615501.

Submission:

Labcorp Genetics (formerly Invitae), Labcorp
Classification: Uncertain significance for Sulfite oxidase deficiency due to molybdenum cofactor deficiency type C. Last evaluated: 2021-11-10. Review status: criteria provided, single submitter. Criteria: Invitae Variant Classification Sherloc (09022015). Collection method: clinical testing. Allele origin: germline.
Comment: This sequence change replaces aspartic acid, which is acidic and polar, with histidine, which is basic and polar, at codon 548 of the GPHN protein (p.Asp548His). This variant is not present in population databases (gnomAD no frequency). This variant has not been reported in the literature in individuals affected with GPHN-related conditions. Algorithms developed to predict the effect of missense changes on protein structure and function are either unavailable or do not agree on the potential impact of this missense change (SIFT: "Tolerated"; PolyPhen-2: "Possibly Damaging"; Align-GVGD: "Class C0"). In summary, the available evidence is currently insufficient to determine the role of this variant in disease. Therefore, it has been classified as a Variant of Uncertain Significance.

NM_020806.5(GPHN):c.1642G>C (p.Asp548His)

Gene: GPHN (gephyrin; plus strand). Cytogenetic location: 14q23.3.
Variant type: single nucleotide variant.
Coding change: c.1642G>C on transcript NM_020806.5 (MANE Select); coding-DNA position 1642, G replaced by C.
Protein change: p.Asp548His; replaces aspartic acid 548 with histidine.
Molecular consequence: missense variant.
Genome position (GRCh38, 1-based): chr14:67,122,271, G>C. VCF-style: chr14-67122271-G-C. GRCh37 (hg19) VCF-style: chr14-67588988-G-C.
Other names: c.1543G>C, p.Asp515His (NM_001024218.2); c.1702G>C, p.Asp568His (NM_001377514.1); c.1672G>C, p.Asp558His (NM_001377515.1); c.1663G>C, p.Asp555His (NM_001377516.1); c.1615G>C, p.Asp539His (NM_001377517.1); c.1600G>C, p.Asp534His (NM_001377518.1); c.1582G>C, p.Asp528His (NM_001377519.1); short protein forms D515H, D534H, D539H, D548H, D528H, D555H, D558H, D568H.
Identifiers: ClinVar variation 1392381 (VCV001392381.6), dbSNP rs2153692260, ClinGen allele CA390259044.